The following is an entry in ClinVar:

NM_198578.4(LRRK2):c.17G>A (p.Cys6Tyr)

Gene: LRRK2 (leucine rich repeat kinase 2; plus strand). Cytogenetic location: 12q12.
Variant type: single nucleotide variant.
Coding change: c.17G>A on transcript NM_198578.4 (MANE Select); coding-DNA position 17, G replaced by A.
Protein change: p.Cys6Tyr; replaces cysteine 6 with tyrosine.
Molecular consequence: missense variant.
Genome position (GRCh38, 1-based): chr12:40,225,148, G>A. VCF-style: chr12-40225148-G-A. GRCh37 (hg19) VCF-style: chr12-40618950-G-A.
Other names: short protein forms C6Y.
Identifiers: ClinVar variation 1780373 (VCV001780373.3), dbSNP rs1940800044, ClinGen allele CA384398247.

ClinVar aggregate classification (germline): Uncertain significance (1 of 4 stars; one submission).

Conditions:
Inborn genetic diseases. Identifiers: MedGen C0950123, MeSH D030342.

Submission:

Ambry Genetics
Classification: Uncertain significance for Inborn genetic diseases. Last evaluated: 2024-08-21. Review status: criteria provided, single submitter. Criteria: Ambry Variant Classification Scheme 2023. Collection method: clinical testing. Allele origin: germline.
Comment: The p.C6Y variant (also known as c.17G>A), located in coding exon 1 of the LRRK2 gene, results from a G to A substitution at nucleotide position 17. The cysteine at codon 6 is replaced by tyrosine, an amino acid with highly dissimilar properties. This amino acid position is conserved. In addition, this alteration is predicted to be tolerated by in silico analysis. Since supporting evidence is limited at this time, the clinical significance of this alteration remains unclear.